The following is an entry in ClinVar:

NM_004136.4(IREB2):c.1024-7TA[2]

Gene: IREB2 (iron responsive element binding protein 2; plus strand). Cytogenetic location: 15q25.1.
Variant type: Microsatellite.
Coding change: c.1024-7TA[2] on transcript NM_004136.4 (MANE Select); two copies in a row of the 2-base unit TA starting at c.1024-7; the reference has three copies in a row; one copy, 2 bases deleted.
Molecular consequence: splice acceptor variant. On other transcripts: 3 prime UTR variant (1).
Genome position (GRCh38, 1-based): chr15:78,476,185-78,476,186, TA deleted; deleting any 2 consecutive bases within chr15:78,476,181-78,476,186 gives the same sequence; the position shown is the placement nearest the transcript's 3' end. VCF-style (leftmost placement, unchanged base first): chr15-78476180-TTA-T. GRCh37 (hg19) VCF-style: chr15-78768522-TTA-T.
Other names: c.*2791TA[2] (NM_001320943.2); c.853-7TA[2] (NM_001354994.2, NM_001320942.2); c.274-7TA[2] (NM_001320941.2).
Identifiers: ClinVar variation 1965989 (VCV001965989.5), dbSNP rs1236177930, ClinGen allele CA619417352.

ClinVar aggregate classification (germline): Uncertain significance (1 of 4 stars; one submission).

Submission:

Labcorp Genetics (formerly Invitae), Labcorp
Classification: Uncertain significance. Last evaluated: 2022-03-27. Review status: criteria provided, single submitter. Criteria: Invitae Variant Classification Sherloc (09022015). Collection method: clinical testing. Allele origin: germline.
Comment: In summary, the available evidence is currently insufficient to determine the role of this variant in disease. Therefore, it has been classified as a Variant of Uncertain Significance. Experimental studies and prediction algorithms are not available or were not evaluated, and the effect of this variant on mRNA splicing is currently unknown. This variant has not been reported in the literature in individuals affected with IREB2-related conditions. This variant is present in population databases (no rsID available, gnomAD 0.0009%). This sequence change falls in intron 8 of the IREB2 gene. It does not directly change the encoded amino acid sequence of the IREB2 protein.